The following is an entry in ClinVar:

ClinVar aggregate classification (germline): Likely pathogenic (0 of 4 stars; one submission).

Conditions:
BLNK-related disorder. Also called: BLNK-related condition.

Submission:

PreventionGenetics, part of Exact Sciences
Classification: Likely pathogenic for BLNK-related condition. Last evaluated: 2024-06-19. Review status: no assertion criteria provided. Collection method: clinical testing. Allele origin: germline.
Comment: The BLNK c.426G>A variant is predicted to result in premature protein termination (p.Trp142*). To our knowledge, this variant has not been reported in the literature. This variant is reported in 0.00088% of alleles in individuals of European (Non-Finnish) descent in gnomAD. Nonsense variants in BLNK are expected to be pathogenic. This variant is interpreted as likely pathogenic.

NM_013314.4(BLNK):c.426G>A (p.Trp142Ter)

Gene: BLNK (B cell linker; minus strand). Cytogenetic location: 10q24.1.
Variant type: single nucleotide variant.
Coding change: c.426G>A on transcript NM_013314.4 (MANE Select); coding-DNA position 426, G replaced by A.
Protein change: p.Trp142Ter; replaces tryptophan 142 with a stop codon.
Molecular consequence: nonsense. On other transcripts: non-coding transcript variant (1), intron variant (1).
Genome position (GRCh38, 1-based): chr10:96,223,925, C>T on the plus strand (G>A on the coding strand, the complement: BLNK is on the minus strand). VCF-style: chr10-96223925-C-T. GRCh37 (hg19) VCF-style: chr10-97983681-C-T.
Other names: c.426G>A, p.Trp142Ter (NM_001114094.2, NM_001258440.2, NM_001258441.2); c.349+3497G>A (NM_001258442.2); short protein forms W142*.
Identifiers: ClinVar variation 3347419 (VCV003347419.1).
Genomic context (GRCh38, chr10:96,223,925, plus strand): 5'-AGGTTTCTGCAAAGCAGTCAGGGCCGGCAGGGTGGAGGTGAGCCTTGCTTTCTCTGAAGG[C>T]CAGCTGGGCTTACTGGGAAGTGTCTTGCTGAAGGGTGGGGAATGCCTCTGGCTTGATCGA-3'